The following is an entry in ClinVar:

NM_018105.3(THAP1):c.37C>T (p.Arg13Cys)

Gene: THAP1 (THAP domain containing 1; minus strand). Cytogenetic location: 8p11.21.
Variant type: single nucleotide variant.
Coding change: c.37C>T on transcript NM_018105.3 (MANE Select); coding-DNA position 37, C replaced by T.
Protein change: p.Arg13Cys; replaces arginine 13 with cysteine.
Molecular consequence: missense variant.
Genome position (GRCh38, 1-based): chr8:42,843,058, G>A on the plus strand (C>T on the coding strand, the complement: THAP1 is on the minus strand). VCF-style: chr8-42843058-G-A. GRCh37 (hg19) VCF-style: chr8-42698201-G-A.
Other names: c.37C>T, p.Arg13Cys (NM_199003.2); short protein forms R13C.
Identifiers: ClinVar variation 4293985 (VCV004293985.1).

ClinVar aggregate classification (germline): Uncertain significance (1 of 4 stars; one submission).

Conditions:
Torsion dystonia 6 (DYT6). Also called: DYT-THAP1. Identifiers: Orphanet 98806, MedGen C1414216, MONDO:0011264, OMIM 602629.

Submission:

3billion
Classification: Uncertain significance for Torsion dystonia 6. Last evaluated: 2024-07-29. Review status: criteria provided, single submitter. Criteria: ACMG Guidelines, 2015. Collection method: clinical testing. Allele origin: germline. Affected: yes.
Comment: The variant is not observed in the gnomAD v4.0.0 dataset. Predicted Consequence/Location: Missense variant In silico tool predictions suggest damaging effect of the variant on gene or gene product [REVEL: 0.97 (>=0.6, sensitivity 0.68 and specificity 0.92); 3Cnet: 0.99 (>=0.6, sensitivity 0.72 and precision 0.9)]. Different missense changes at the same codon (p.Arg13Gly, p.Arg13His) have been reported to be associated with THAP1 related disorder (PMID: 20687193, 33175450). Therefore, this variant is classified as VUS according to the recommendation of ACMG/AMP guideline.

Literature cited by the submitters: PubMed 20687193.